The following is an entry in ClinVar:

NM_016239.4(MYO15A):c.1137del (p.Tyr380fs)

Gene: MYO15A (myosin XVA; plus strand). Cytogenetic location: 17p11.2.
Variant type: Deletion.
Coding change: c.1137del on transcript NM_016239.4 (MANE Select); coding-DNA position 1137, one base deleted (C; older notation c.1137delC).
Protein change: p.Tyr380fs; shifts the reading frame from tyrosine 380.
Molecular consequence: frameshift variant.
Genome position (GRCh38, 1-based): chr17:18,119,937, C deleted; the last of 4 consecutive C bases (chr17:18,119,934-18,119,937); deleting any one gives the same sequence. VCF-style (leftmost placement, unchanged base first): chr17-18119933-TC-T. GRCh37 (hg19) VCF-style: chr17-18023247-TC-T.
Other names: NM_016239.4(MYO15A):c.1137del; p.Tyr380fs; c.1137del (NM_016239.3); short protein forms Y380fs.
Identifiers: ClinVar variation 500061 (VCV000500061.34), dbSNP rs769260536, ClinGen allele CA8423030.

ClinVar aggregate classification (germline): Likely pathogenic. Review status: reviewed by expert panel (3 of 4 stars). 12 submissions from 12 submitters: Likely pathogenic (1). 11 of the submissions do not count toward it. Last evaluated 2024-03-20.

Conditions:
Autosomal recessive nonsyndromic hearing loss 3. Also called: NEUROSENSORY NONSYNDROMIC RECESSIVE DEAFNESS 3. Identifiers: Orphanet 90636, MedGen C1838263, MONDO:0010860, OMIM 600316.
Nonsyndromic genetic hearing loss. Also called: Nonsyndromic hearing loss and deafness; Nonsyndromic genetic deafness; Non-syndromic genetic deafness. Identifiers: Orphanet 87884, MedGen C5680182, MONDO:0019497.
MYO15A-related disorder. Also called: MYO15A-related condition.
Rare genetic deafness. Identifiers: Orphanet 96210, MedGen C5680250.
Hearing impairment. Also called: Impaired Hearing. Identifiers: MedGen C1384666, MONDO:0005365, HP:0000365.

Submissions (12):

ClinGen Hearing Loss Variant Curation Expert Panel
Classification: Likely pathogenic for Nonsyndromic genetic hearing loss. Last evaluated: 2024-03-20. Review status: reviewed by expert panel. Criteria: clingen hl acmg specifications otof myo15a v1. Collection method: curation. Allele origin: germline. Inheritance: Autosomal recessive inheritance.
Comment: The c.1137del (p.Tyr380fsTer64) variant in MYO15A is frameshift variant in biologically relevant exon 2/66 that is predicted to lead to a truncated or absent protein in a gene in which loss-of-function is an established disease mechanism (PVS1). The highest population minor allele frequency in gnomAD v4.0.0 is 210/1179974 alleles (0.0001780 or 0.0178 %) in the European (non-Finnish) population (PM2_supporting, BS1, and BA1 not met). This variant has been detected in 3 individuals with nonsyndromic hearing loss. For each of those individuals, they were compound heterozygous for the variant and a pathogenic or likely pathogenic variant, but phase was not confirmed (p.Lys1003fsTer55, p.Glu209Ter, p.Arg3134Ter; PMIDs: 23208854, 28000701, 31980526; 1.5 pts. PM3). In summary, this variant meets the criteria to be classified as likely pathogenic for autosomal recessive nonsyndromic hearing loss based on the ACMG/AMP criteria applied, as specified by the ClinGen Hearing Loss VCEP: (PVS1, PM3; Version 1; 3/20/2024).

PreventionGenetics, part of Exact Sciences
Classification: Pathogenic for MYO15A-related condition. Last evaluated: 2026-08-31. Review status: criteria provided, single submitter. Criteria: ACMG Guidelines, 2015. Collection method: clinical testing. Allele origin: germline. Not counted in ClinVar's aggregate classification.
Comment: The MYO15A c.1137delC variant is predicted to result in a frameshift and premature protein termination (p.Tyr380Metfs*64). This variant has been reported in the presumed compound heterozygous state with a second disease-causing MYO15A variant in at least five individuals with nonsyndromic hearing loss (Schrauwen et al. 2013. PubMed ID: 23208854; Vona et al. 2014. PubMed ID: 24875298; Zazo Seco et al. 2017. PubMed ID: 28000701; Downie et al. 2020. PubMed ID: 31827275). This variant is reported in 0.020% of alleles in individuals of European (non-Finnish) descent in gnomAD. Frameshift variants in MYO15A are expected to be pathogenic. This variant is interpreted as pathogenic.

Labcorp Genetics (formerly Invitae), Labcorp
Classification: Pathogenic. Last evaluated: 2025-12-29. Review status: criteria provided, single submitter. Criteria: Invitae Variant Classification Sherloc (09022015). Collection method: clinical testing. Allele origin: germline. Not counted in ClinVar's aggregate classification.
Comment: This sequence change creates a premature translational stop signal (p.Tyr380Metfs*64) in the MYO15A gene. It is expected to result in an absent or disrupted protein product. Loss-of-function variants in MYO15A are known to be pathogenic (PMID: 17546645). This variant is present in population databases (rs769260536, gnomAD 0.02%). This premature translational stop signal has been observed in individual(s) with MYO15A-related conditions (PMID: 23208854, 24123792). This variant is also known as c.1134delC. ClinVar contains an entry for this variant (Variation ID: 500061). For these reasons, this variant has been classified as Pathogenic.

Clinical Genetics Laboratory, University Hospital Schleswig-Holstein
Classification: Pathogenic for Autosomal recessive nonsyndromic hearing loss 3. Last evaluated: 2025-11-11. Review status: criteria provided, single submitter. Criteria: ACMG Guidelines, 2015. Collection method: clinical testing. Allele origin: germline. Affected: yes. Observed: 1 heterozygote. Not counted in ClinVar's aggregate classification.
Comment: ACMG criteria applied: PVS1, PM3

GeneDx
Classification: Pathogenic. Last evaluated: 2025-09-10. Review status: criteria provided, single submitter. Criteria: GeneDx Variant Classification Process June 2021. Collection method: clinical testing. Allele origin: germline. Not counted in ClinVar's aggregate classification.
Comment: Frameshift variant predicted to result in protein truncation or nonsense mediated decay in a gene for which loss of function is a known mechanism of disease; This variant is associated with the following publications: (PMID: 28000701, 24123792, 31827275, 31980526, 31589614, 24875298, 34753855, 39333430, 23208854)

Variantyx, Inc.
Classification: Pathogenic for Autosomal recessive nonsyndromic hearing loss 3. Last evaluated: 2025-08-14. Review status: criteria provided, single submitter. Criteria: Variantyx Assertion Criteria 2022. Collection method: clinical testing. Allele origin: germline. Inheritance: Autosomal recessive inheritance. Affected: yes. Not counted in ClinVar's aggregate classification.
Comment: This is a frameshift variant in the MYO15A gene (OMIM: 602666). Pathogenic variants in this gene have been associated with autosomal recessive deafness 3. This variant introduces a premature termination codon in exon 2 out of 66 and is expected to result in loss of function, which is a known disease mechanism for MYO15A in this disorder (PMID:9603736;17851452) (PVS1). This variant has been identified in the homozygous or compound heterozygous state in least 4 individuals reported in the published literature (PMID: 23208854, 28000701, 24123792, 30953472) and previous internal cases (PM3_Strong). Other reputable laboratories have reported this variant as pathogenic or likely pathogenic, and this classification has been validated by an expert panel in ClinVar (PP5). This variant has a 0.0178% maximum allele frequency in non-founder control populations. Based on the current evidence, this variant is classified as pathogenic for autosomal recessive deafness 3.

Department of Otolaryngology – Head & Neck Surgery, Cochlear Implant Center
Classification: Pathogenic for Hearing impairment. Last evaluated: 2021-04-12. Review status: criteria provided, single submitter. Criteria: ClinGen HL ACMG Specifications v1. Collection method: clinical testing. Allele origin: germline. Affected: yes. Not counted in ClinVar's aggregate classification.
Comment: PVS1_Very strong, PS1_Strong, PM2_Supporting, PP1_Supporting

Laboratory for Molecular Medicine, Mass General Brigham Personalized Medicine
Classification: Pathogenic for Rare genetic deafness. Last evaluated: 2020-04-02. Review status: criteria provided, single submitter. Criteria: LMM Criteria. Collection method: clinical testing. Allele origin: germline. Inheritance: Autosomal dominant inheritance. Observed: 2 variant alleles. Not counted in ClinVar's aggregate classification.
Comment: The p.Tyr380MetfsX64 variant in MYO15A has been previously reported in at least 3 individuals with hearing loss who were compound heterozygous for a second truncating MYO15A variant (Neveling 2013, Schrauwen 2013, Vona 2014, Zazo Seco 2017, Hou 2020). This variant has been identified in 0.02% (26/128476) of European chromosomes by gnomad chromosomes by gnomAD. This variant is predicted to cause a frameshift, which alters the proteinâ€™s amino acid sequence beginning at position 380 and leads to a premature termination codon 64 amino acids downstream. This alteration is then predicted to lead to a truncated or absent protein. Loss of function of the MYO15A gene is an established disease mechanism in autosomal recessive hearing loss. In summary, this variant meets criteria to be classified as pathogenic for autosomal recessive hearing loss. ACMG/AMP Criteria applied: PVS1, PM2_Supporting, PM3_Strong.

Victorian Clinical Genetics Services, Murdoch Childrens Research Institute
Classification: Pathogenic for Autosomal recessive nonsyndromic hearing loss 3. Last evaluated: 2017-11-24. Review status: criteria provided, single submitter. Criteria: ACMG Guidelines, 2015. Collection method: clinical testing. Allele origin: unknown. Affected: yes. Observed: 2 variant alleles. Not counted in ClinVar's aggregate classification.
Comment: A heterozygous frameshift deletion variant, NM_016239.3(MYO15A):c.1137delC, has been identified in exon 2 of 66 of the MYO15A gene. This deletion is predicted to create a frameshift starting at amino acid position 380, introducing a stop codon 64 residues downstream, NP_057323.3(MYO15A):p.(Tyr380Metfs*64). This variant is predicted to result in loss of protein function either through truncation (loss of majority of the protein, including all functional domains) or nonsense-mediated decay. The variant is present in the gnomAD database at a frequency of 0.01% (28 heterozygotes) andhas been previously described as a compound heterozygote with a second truncating variant in two patients with hearing loss (Schrauwen, I., et al. (2013), Vona, B. et al. (2014)). Based on the information available at the time of curation, this variant has been classified as PATHOGENIC.

Illumina Laboratory Services, Illumina
Classification: Likely pathogenic for Autosomal recessive nonsyndromic hearing loss 3. Last evaluated: 2017-09-01. Review status: criteria provided, single submitter. Criteria: ICSL Variant Classification Criteria 09 May 2019. Collection method: clinical testing. Allele origin: germline. Not counted in ClinVar's aggregate classification.
Comment: The MYO15A c.1137delC (p.Tyr380MetfsTer64) variant is a frameshift variant that is predicted to result in premature termination of the protein. This variant has been reported in a compound heterozygous state along with a second null variant in three individuals with hearing loss (Schrauwen et al. 2013; Neveling et al. 2013; Vona et al. 2014). The individual identified in the Vona et al. (2014) study also carried the c.7C>G (p.Gln3Glu) missense variant in the MYH9 gene. The p.Tyr380MetfsTer64 variant was absent from nine normal hearing controls, but is reported at a frequency of 0.00038 in the European American population of the Exome Sequencing Project. Based on the evidence and due to the potential impact of frameshift variants, the p.Tyr380MetfsTer64 is classified as likely pathogenic for autosomal recessive nonsyndromic hearing loss. This variant was observed by ICSL as part of a predisposition screen in an ostensibly healthy population.

Eurofins Ntd Llc (ga)
Classification: Pathogenic. Last evaluated: 2017-02-15. Review status: criteria provided, single submitter. Criteria: EGL Classification Definitions 2015. Collection method: clinical testing. Allele origin: germline. Observed: 1 variant allele, 1 heterozygote. Not counted in ClinVar's aggregate classification.

Clinical Genetics Service, Universitary Hospital 12 de Octubre
Classification: Likely pathogenic for Autosomal recessive nonsyndromic hearing loss 3. Review status: criteria provided, single submitter. Criteria: ACMG Guidelines, 2015. Collection method: clinical testing. Allele origin: paternal. Affected: yes. Not counted in ClinVar's aggregate classification.

Literature cited by the submitters: PubMed 17546645 (cited by Labcorp Genetics (formerly Invitae), Labcorp and Variantyx, Inc.); PubMed 23208854 (cited by 6 submitters); PubMed 24123792 (cited by 4 submitters); PubMed 28000701 (cited by 3 submitters); PubMed 30953472 (cited by Variantyx, Inc.); PubMed 24875298 (cited by 3 submitters); PubMed 31980526 (cited by Laboratory for Molecular Medicine, Mass General Brigham Personalized Medicine).